The following is an entry in ClinVar:

ClinVar aggregate classification (germline): Uncertain significance (1 of 4 stars; one submission).

Conditions:
Combined oxidative phosphorylation defect type 17. Also called: Combined oxidative phosphorylation deficiency 17. Identifiers: Orphanet 369913, MedGen C3809526, MONDO:0014190, OMIM 615440.

Allele frequency attached by ClinVar (database versions not stated): gnomAD exomes below 0.00001; TOPMed 0.00001; ESP Exome Variant Server 0.00008.
gnomAD v4.1: 2 of 1,614,046 alleles (0.00012%); highest among the groups gnomAD compares: Non-Finnish European, 0.00017%; no homozygotes.

Submission:

Labcorp Genetics (formerly Invitae), Labcorp
Classification: Uncertain significance for Combined oxidative phosphorylation defect type 17. Last evaluated: 2022-05-17. Review status: criteria provided, single submitter. Criteria: Invitae Variant Classification Sherloc (09022015). Collection method: clinical testing. Allele origin: germline.
Comment: This sequence change replaces arginine, which is basic and polar, with serine, which is neutral and polar, at codon 477 of the ELAC2 protein (p.Arg477Ser). This variant is not present in population databases (gnomAD no frequency). This variant has not been reported in the literature in individuals affected with ELAC2-related conditions. Algorithms developed to predict the effect of missense changes on protein structure and function output the following: SIFT: "Tolerated"; PolyPhen-2: "Benign"; Align-GVGD: "Class C0". The serine amino acid residue is found in multiple mammalian species, which suggests that this missense change does not adversely affect protein function. Algorithms developed to predict the effect of sequence changes on RNA splicing suggest that this variant may disrupt the consensus splice site. In summary, the available evidence is currently insufficient to determine the role of this variant in disease. Therefore, it has been classified as a Variant of Uncertain Significance.

NM_018127.7(ELAC2):c.1431A>T (p.Arg477Ser)

Gene: ELAC2 (elaC ribonuclease Z 2; minus strand). Cytogenetic location: 17p12.
Variant type: single nucleotide variant.
Coding change: c.1431A>T on transcript NM_018127.7 (MANE Select); coding-DNA position 1431, A replaced by T.
Protein change: p.Arg477Ser; replaces arginine 477 with serine.
Molecular consequence: missense variant.
Genome position (GRCh38, 1-based): chr17:12,998,501, T>A on the plus strand (A>T on the coding strand, the complement: ELAC2 is on the minus strand). VCF-style: chr17-12998501-T-A. GRCh37 (hg19) VCF-style: chr17-12901818-T-A.
Other names: c.1311A>T, p.Arg437Ser (NM_001165962.2); c.1428A>T, p.Arg476Ser (NM_173717.2); short protein forms R437S, R476S, R477S.
Identifiers: ClinVar variation 1986725 (VCV001986725.1), dbSNP rs376799215, ClinGen allele CA288078927.
Genomic context (GRCh38, chr17:12,998,501, plus strand): 5'-TCGAATCTTCATCGGGATGGCAGACCCTGTTCCAAGGAAGATGATTTCTGGGTACTGACT[T>A]CTTTTCTCTGTGAAAAAATCCATGTGAAACAATCCATTCCTTTGGGTCAAAAGTGAGCCA-3'
Protein context (NP_060597.4, residues 467-487): AQDGPAPAEK[Arg477Ser]SQYPEIIFLG